The following is an entry in ClinVar:

NM_002582.4(PARN):c.1222G>C (p.Val408Leu)

Gene: PARN (poly(A)-specific ribonuclease; minus strand). Cytogenetic location: 16p13.12.
Variant type: single nucleotide variant.
Coding change: c.1222G>C on transcript NM_002582.4 (MANE Select); coding-DNA position 1222, G replaced by C.
Protein change: p.Val408Leu; replaces valine 408 with leucine.
Molecular consequence: missense variant.
Genome position (GRCh38, 1-based): chr16:14,580,914, C>G on the plus strand (G>C on the coding strand, the complement: PARN is on the minus strand). VCF-style: chr16-14580914-C-G. GRCh37 (hg19) VCF-style: chr16-14674771-C-G.
Other names: c.1039G>C, p.Val347Leu (NM_001134477.3); c.1084G>C, p.Val362Leu (NM_001242992.2); short protein forms V347L, V362L, V408L.
Identifiers: ClinVar variation 2943851 (VCV002943851.3), dbSNP rs2507817782, ClinGen allele CA394821868.

ClinVar aggregate classification (germline): Uncertain significance (1 of 4 stars; one submission).

Conditions:
Pulmonary fibrosis and/or bone marrow failure, Telomere-related, 4. Also called: PULMONARY FIBROSIS AND/OR BONE MARROW FAILURE SYNDROME, TELOMERE-RELATED, 4. Identifiers: Orphanet 2032, MedGen C4225347, MONDO:0014612, OMIM 616371.
Dyskeratosis congenita, autosomal recessive 6 (DKCB6). Identifiers: MedGen C4225356, MONDO:0014600, OMIM 616353.

Submission:

Labcorp Genetics (formerly Invitae), Labcorp
Classification: Uncertain significance for Dyskeratosis congenita, autosomal recessive 6; Pulmonary fibrosis and/or bone marrow failure, Telomere-related, 4. Last evaluated: 2023-02-02. Review status: criteria provided, single submitter. Criteria: Invitae Variant Classification Sherloc (09022015). Collection method: clinical testing. Allele origin: germline.
Comment: In summary, the available evidence is currently insufficient to determine the role of this variant in disease. Therefore, it has been classified as a Variant of Uncertain Significance. This sequence change replaces valine, which is neutral and non-polar, with leucine, which is neutral and non-polar, at codon 408 of the PARN protein (p.Val408Leu). This variant is not present in population databases (gnomAD no frequency). This variant has not been reported in the literature in individuals affected with PARN-related conditions. Advanced modeling of protein sequence and biophysical properties (such as structural, functional, and spatial information, amino acid conservation, physicochemical variation, residue mobility, and thermodynamic stability) performed at Invitae indicates that this missense variant is not expected to disrupt PARN protein function.